The following is an entry in ClinVar:

ClinVar aggregate classification (germline): Uncertain significance. Review status: criteria provided, multiple submitters, no conflicts (2 of 4 stars). 3 submissions from 3 submitters: Uncertain significance (2). 1 of the submissions does not count toward it. Last evaluated 2023-11-13.

Conditions:
Junctional epidermolysis bullosa gravis of Herlitz. Also called: EPIDERMOLYSIS BULLOSA, JUNCTIONAL 1B, SEVERE; Herlitz-type junctional epidermolysis bullosa; EPIDERMOLYSIS BULLOSA JUNCTIONALIS, HERLITZ TYPE; EPIDERMOLYSIS BULLOSA, JUNCTIONAL, HERLITZ-PEARSON TYPE; JEB-HERLITZ TYPE; Epidermolysis Bullosa Letalis. Identifiers: Orphanet 79404, MedGen C0079683, MONDO:0009182, OMIM 226700.

Allele frequency attached by ClinVar (database versions not stated): gnomAD 0.00006; ExAC 0.00008; ESP Exome Variant Server 0.00008; TOPMed 0.00008; gnomAD exomes 0.00009.
gnomAD v4.1: 174 of 1,613,984 alleles (0.011%); highest among the groups gnomAD compares: South Asian, 0.019%; no homozygotes.

Submissions (3):

GeneDx
Classification: Uncertain significance. Last evaluated: 2023-11-13. Review status: criteria provided, single submitter. Criteria: GeneDx Variant Classification Process June 2021. Collection method: clinical testing. Allele origin: germline. Affected: yes.
Comment: Identified as heterozygous in a patient with JEB in published literature, however, clinical information was not provided and a second LAMB3 variant was not identified (PMID: 7550237); In silico analysis supports that this missense variant does not alter protein structure/function; This variant is associated with the following publications: (PMID: 7550237)

Women's Health and Genetics/Laboratory Corporation of America, LabCorp
Classification: Uncertain significance. Last evaluated: 2022-10-11. Review status: criteria provided, single submitter. Criteria: LabCorp Variant Classification Summary - May 2015. Collection method: clinical testing. Allele origin: germline.
Comment: Variant summary: LAMB3 c.2036C>T (p.Pro679Leu) results in a non-conservative amino acid change in the encoded protein sequence. Four of five in-silico tools predict a benign effect of the variant on protein function. The variant allele was found at a frequency of 8.8e-05 in 251406 control chromosomes (gnomAD). This frequency is not significantly higher than expected for a pathogenic variant in LAMB3 causing Junctional Epidermolysis Bullosa (8.8e-05 vs 0.0024), allowing no conclusion about variant significance. c.2036C>T has been reported in the literature in individuals affected with Junctional Epidermolysis Bullosa, non-Herlizt type (Pulkkinen_1995, Al Zahrani_2019). These reports do not provide unequivocal conclusions about association of the variant with Junctional Epidermolysis Bullosa. To our knowledge, no experimental evidence demonstrating an impact on protein function has been reported. One ClinVar submitter has assessed the variant since 2014: the variant was classified as uncertain significance. Based on the evidence outlined above, the variant was classified as uncertain significance.

Counsyl
Classification: Uncertain significance for Junctional epidermolysis bullosa gravis of Herlitz. Last evaluated: 2017-05-25. Review status: no assertion criteria provided. Collection method: clinical testing. Allele origin: unknown. Not counted in ClinVar's aggregate classification.

Literature cited by the submitters: PubMed 7550237 (cited by Women's Health and Genetics/Laboratory Corporation of America, LabCorp and Counsyl); PubMed 29900604 (cited by Women's Health and Genetics/Laboratory Corporation of America, LabCorp).

NM_000228.3(LAMB3):c.2036C>T (p.Pro679Leu)

Gene: LAMB3 (laminin subunit beta 3; minus strand). Cytogenetic location: 1q32.2.
Variant type: single nucleotide variant.
Coding change: c.2036C>T on transcript NM_000228.3 (MANE Select); coding-DNA position 2036, C replaced by T.
Protein change: p.Pro679Leu; replaces proline 679 with leucine.
Molecular consequence: missense variant.
Genome position (GRCh38, 1-based): chr1:209,623,941, G>A on the plus strand (C>T on the coding strand, the complement: LAMB3 is on the minus strand). VCF-style: chr1-209623941-G-A. GRCh37 (hg19) VCF-style: chr1-209797286-G-A.
Other names: c.2036C>T, p.Pro679Leu (NM_001017402.2, NM_001127641.1); short protein forms P679L.
Identifiers: ClinVar variation 552193 (VCV000552193.4), dbSNP rs201223111, ClinGen allele CA1375398.